The following is an entry in ClinVar:

NM_002519.3(NPAT):c.1867A>G (p.Ile623Val)

Gene: NPAT (nuclear protein, coactivator of histone transcription; minus strand). Cytogenetic location: 11q22.3.
Variant type: single nucleotide variant.
Coding change: c.1867A>G on transcript NM_002519.3 (MANE Select); coding-DNA position 1867, A replaced by G.
Protein change: p.Ile623Val; replaces isoleucine 623 with valine.
Molecular consequence: missense variant.
Genome position (GRCh38, 1-based): chr11:108,173,117, T>C on the plus strand (A>G on the coding strand, the complement: NPAT is on the minus strand). VCF-style: chr11-108173117-T-C. GRCh37 (hg19) VCF-style: chr11-108043844-T-C.
Other names: c.1867A>G, p.Ile623Val (NM_001321307.1); short protein forms I623V.
Identifiers: ClinVar variation 2969126 (VCV002969126.3), dbSNP rs754498169, ClinGen allele CA6263929.
Genomic context (GRCh38, chr11:108,173,117, plus strand): 5'-CAACAGATGCTGAATCATTAGATGGTTGTTTAGTAGAAGACAGCGAATCTCCAAGATGAA[T>C]TTCTACTTGTCCAGATACATTTAAATGTGAACTTTCAACAGACACAGGTAGTATTTCACT-3'
Protein context (NP_002510.2, residues 613-633): SHLNVSGQVE[Ile623Val]HLGDSLSSTK

ClinVar aggregate classification (germline): Uncertain significance (1 of 4 stars; one submission).

Allele frequency attached by ClinVar (database versions not stated): ExAC 0.00002; gnomAD exomes 0.00002; TOPMed 0.00003.
gnomAD v4.1: 11 of 1,614,036 alleles (0.00068%); highest among the groups gnomAD compares: Admixed American, 0.018%; no homozygotes.

Submission:

Labcorp Genetics (formerly Invitae), Labcorp
Classification: Uncertain significance. Last evaluated: 2023-08-02. Review status: criteria provided, single submitter. Criteria: Invitae Variant Classification Sherloc (09022015). Collection method: clinical testing. Allele origin: germline.
Comment: This sequence change replaces isoleucine, which is neutral and non-polar, with valine, which is neutral and non-polar, at codon 623 of the NPAT protein (p.Ile623Val). This variant is present in population databases (rs754498169, gnomAD 0.03%). This variant has not been reported in the literature in individuals affected with NPAT-related conditions. An algorithm developed to predict the effect of missense changes on protein structure and function (PolyPhen-2) suggests that this variant is likely to be tolerated. In summary, the available evidence is currently insufficient to determine the role of this variant in disease. Therefore, it has been classified as a Variant of Uncertain Significance.